The following is an entry in ClinVar:

ClinVar aggregate classification (germline): Uncertain significance. Review status: criteria provided, single submitter (1 of 4 stars). 2 submissions from 2 submitters: Uncertain significance (1). 1 of the submissions does not count toward it. Last evaluated 2018-01-13.

Conditions:
Piebaldism. Also called: Piebald skin depigmentation. Identifiers: Orphanet 2884, MedGen C0080024, MONDO:0008244, OMIM 172800, HP:0007544.
SNAI2-related disorder. Also called: SNAI2-related condition.

Allele frequency attached by ClinVar (database versions not stated): gnomAD exomes 0.00005; ExAC 0.00007; TOPMed 0.00009; gnomAD 0.00011; ESP Exome Variant Server 0.00015; 1000 Genomes Project 30x 0.00031; 1000 Genomes Project 0.00040.

Submissions (2):

Illumina Laboratory Services, Illumina
Classification: Uncertain significance for Piebaldism. Last evaluated: 2018-01-13. Review status: criteria provided, single submitter. Criteria: ICSL Variant Classification Criteria 13 December 2019. Collection method: clinical testing. Allele origin: germline.

PreventionGenetics, part of Exact Sciences
Classification: Likely benign for SNAI2-related condition. Last evaluated: 2019-10-28. Review status: no assertion criteria provided. Collection method: clinical testing. Allele origin: germline. Not counted in ClinVar's aggregate classification.
Comment: This variant is classified as likely benign based on ACMG/AMP sequence variant interpretation guidelines (Richards et al. 2015 PMID: 25741868, with internal and published modifications).

NM_003068.5(SNAI2):c.-9G>T

Gene: SNAI2 (snail family transcriptional repressor 2; minus strand). Cytogenetic location: 8q11.21.
Variant type: single nucleotide variant.
Coding change: c.-9G>T on transcript NM_003068.5 (MANE Select); 9 bases upstream of the start codon, G replaced by T.
Molecular consequence: 5 prime UTR variant.
Genome position (GRCh38, 1-based): chr8:48,921,274, C>A on the plus strand (G>T on the coding strand, the complement: SNAI2 is on the minus strand). VCF-style: chr8-48921274-C-A. GRCh37 (hg19) VCF-style: chr8-49833833-C-A.
Identifiers: ClinVar variation 363268 (VCV000363268.7), dbSNP rs201920149, ClinGen allele CA4743571.